The following is an entry in ClinVar:

ClinVar aggregate classification (germline): Benign. Review status: criteria provided, multiple submitters, no conflicts (2 of 4 stars). 2 submissions from 2 submitters: Benign (2). Last evaluated 2025-11-21.

Conditions:
Hereditary North American Indian childhood cirrhosis. Identifiers: Orphanet 168583, MedGen C1858051, MONDO:0011497, OMIM 604901.

Allele frequency attached by ClinVar (database versions not stated): 1000 Genomes Project 0.00379; 1000 Genomes Project 30x 0.00390; gnomAD 0.00461 and 0.00501; TOPMed 0.00498; ESP Exome Variant Server 0.00608.
gnomAD v4.1: 2,000 of 1,614,140 alleles (0.12%); highest among the groups gnomAD compares: African/African-American, 1.5%; 12 homozygotes.

Submissions (2):

Labcorp Genetics (formerly Invitae), Labcorp
Classification: Benign. Last evaluated: 2025-11-21. Review status: criteria provided, single submitter. Criteria: Invitae Variant Classification Sherloc (09022015). Collection method: clinical testing. Allele origin: germline.

Illumina Laboratory Services, Illumina
Classification: Benign for Hereditary North American Indian childhood cirrhosis. Last evaluated: 2018-01-13. Review status: criteria provided, single submitter. Criteria: ICSL Variant Classification Criteria 13 December 2019. Collection method: clinical testing. Allele origin: germline.
Comment: This variant was observed in the ICSL laboratory as part of a predisposition screen in an ostensibly healthy population. It had not been previously curated by ICSL or reported in the Human Gene Mutation Database (HGMD: prior to June 1st, 2018), and was therefore a candidate for classification through an automated scoring system. Utilizing variant allele frequency, disease prevalence and penetrance estimates, and inheritance mode, an automated score was calculated to assess if this variant is too frequent to cause the disease. Based on the score and internal cut-off values, a variant classified as benign is not then subjected to further curation. The score for this variant resulted in a classification of benign for this disease.

NM_032830.3(UTP4):c.270G>A (p.Ala90=)

Gene: UTP4 (UTP4 small subunit processome component). Cytogenetic location: 16q22.1.
Variant type: single nucleotide variant.
Coding change: c.270G>A on transcript NM_032830.3 (MANE Select); coding-DNA position 270, G replaced by A.
Protein change: p.Ala90=; no amino-acid change (alanine 90 retained).
Molecular consequence: synonymous variant.
Genome position (GRCh38, 1-based): chr16:69,136,806, G>A. VCF-style: chr16-69136806-G-A. GRCh37 (hg19) VCF-style: chr16-69170709-G-A.
Other names: c.21G>A, p.Ala7= (NM_001318391.2).
Identifiers: ClinVar variation 887042 (VCV000887042.8), dbSNP rs16958656, ClinGen allele CA8131978.